The following is an entry in ClinVar:

ClinVar aggregate classification (germline): Conflicting classifications of pathogenicity. Review status: criteria provided, conflicting classifications (1 of 4 stars). 2 submissions from 2 submitters: Uncertain significance (1); Likely benign (1). Last evaluated 2023-02-08.

Submissions (2):

Women's Health and Genetics/Laboratory Corporation of America, LabCorp
Classification: Likely benign. Last evaluated: 2023-02-08. Review status: criteria provided, single submitter. Criteria: LabCorp Variant Classification Summary - May 2015. Collection method: clinical testing. Allele origin: germline.
Comment: Variant summary: PCDH15 c.4323_4328dupTCCGCC (p.Pro1442_Pro1443dup) results in an in-frame duplication that is predicted to duplicate two amino acids (two prolines) into the encoded protein, poly-pro region (p.1435P_p.1443P). The variant allele was found at a frequency of 5.6e-05 in 247920 control chromosomes (gnomAD). This frequency is not significantly higher than expected for a pathogenic variant in PCDH15 causing Usher Syndrome Type 1F (5.6e-05 vs 0.0032), allowing no conclusion about variant significance. However, another variant (10-55587197 A-AGGCGGC; c.4317_4322dupGCCGCC) with the same protein effect (p.Pro1442_Pro1443dup) was associated with allele frequency at 0.001443 in total population and 0.008234 in East Asian sub-population, approximately 3 fold of the estimated maximal expected allele frequency for a pathogenic variant in PCDH15 causing Usher Syndrome Type 1F phenotype (0.0032), strongly suggesting that the variant is a benign polymorphism found primarily in populations of East Asian origin. To our knowledge, no occurrence of c.4323_4328dupTCCGCC in individuals affected with Usher Syndrome Type 1F and no experimental evidence demonstrating it's impact on protein function have been reported. No clinical diagnostic laboratories have submitted clinical-significance assessments for this variant to ClinVar after 2014. However, another variant (Variant ID: 626268, c.4308GCC[7]) with the same protein effect (p.Pro1442_Pro1443dup) was classified as likely benign (n=5) and benign (n=1) in ClinVar. Based on the evidence outlined above, the variant was classified as likely benign.

Labcorp Genetics (formerly Invitae), Labcorp
Classification: Uncertain significance. Last evaluated: 2021-09-01. Review status: criteria provided, single submitter. Criteria: Invitae Variant Classification Sherloc (09022015). Collection method: clinical testing. Allele origin: germline.
Comment: This variant, c.4323_4328dup, results in the insertion of 2 amino acid(s) to the PCDH15 protein (p.Pro1442_Pro1443dup), but otherwise preserves the integrity of the reading frame. This variant is present in population databases (rs776051221, ExAC 0.01%). This variant has been observed in individual(s) with syndromic deafness (PMID: 31178897). This variant is also known as c.4337_4338insGCCGCC (p.Pro1446delinsProProPro). Experimental studies and prediction algorithms are not available or were not evaluated, and the functional significance of this variant is currently unknown. In summary, the available evidence is currently insufficient to determine the role of this variant in disease. Therefore, it has been classified as a Variant of Uncertain Significance.

Literature cited by the submitters: PubMed 31178897 (cited by Labcorp Genetics (formerly Invitae), Labcorp).

NM_001384140.1(PCDH15):c.4323_4328dup (p.Pro1443_Gly1444insProPro)

Gene: PCDH15 (protocadherin related 15; minus strand). Cytogenetic location: 10q21.1.
Variant type: Duplication.
Coding change: c.4323_4328dup on transcript NM_001384140.1 (MANE Select); coding-DNA positions 4323 to 4328, 6 bases duplicated (TCCGCC; older notation c.4323_4328dupTCCGCC).
Protein change: p.Pro1443_Gly1444insProPro.
Molecular consequence: inframe insertion. On other transcripts: inframe indel (1).
Genome position (GRCh38, 1-based): chr10:53,827,432-53,827,437, GGCGGA duplicated on the plus strand (TCCGCC on the coding strand, the reverse complement: PCDH15 is on the minus strand); duplicating any 6 consecutive bases within chr10:53,827,432-53,827,442 gives the same sequence; the c. name uses the placement nearest the transcript's 3' end. VCF-style (leftmost placement, unchanged base first): chr10-53827431-T-TGGCGGA. GRCh37 (hg19) VCF-style: chr10-55587191-T-TGGCGGA.
Other names: c.4338_4343dup, p.Pro1448_Gly1449insProPro (NM_001142763.2, NM_001142771.2); c.4323_4328dup, p.Pro1443_Gly1444insProPro (NM_001142764.2, NM_001142770.3, NM_001142772.2 and 3 more transcripts); c.4110_4115dup, p.Pro1372_Gly1373insProPro (NM_001142765.2); c.4314_4319dup, p.Pro1440_Gly1441insProPro (NM_001142766.2); c.4203_4208dup, p.Pro1403_Gly1404insProPro (NM_001142767.2); c.4257_4262dup, p.Pro1421_Gly1422insProPro (NM_001142768.2, NM_001354404.2); c.4354_4359dup, p.Pro1455_Gly1456insProPro (NM_001142769.4); c.4248_4253dup, p.Pro1418_Gly1419insProPro (NM_001142773.2); and 1 more.
Identifiers: ClinVar variation 2141206 (VCV002141206.2), dbSNP rs764861755, ClinGen allele CA5505359.